The following is an entry in ClinVar:

NM_001174150.2(ARL13B):c.873T>A (p.His291Gln)

Gene: ARL13B (ARF like GTPase 13B; plus strand). Cytogenetic location: 3q11.2.
Variant type: single nucleotide variant.
Coding change: c.873T>A on transcript NM_001174150.2 (MANE Select); coding-DNA position 873, T replaced by A.
Protein change: p.His291Gln; replaces histidine 291 with glutamine.
Molecular consequence: missense variant. On other transcripts: non-coding transcript variant (2).
Genome position (GRCh38, 1-based): chr3:94,043,089, T>A. VCF-style: chr3-94043089-T-A. GRCh37 (hg19) VCF-style: chr3-93761933-T-A.
Other names: c.564T>A, p.His188Gln (NM_001174151.2); c.828T>A, p.His276Gln (NM_001321328.2); c.552T>A, p.His184Gln (NM_144996.4); c.873T>A, p.His291Gln (NM_182896.3); short protein forms H291Q, H184Q, H188Q, H276Q.
Identifiers: ClinVar variation 452871 (VCV000452871.8), dbSNP rs143435132, ClinGen allele CA2504202.
Genomic context (GRCh38, chr3:94,043,089, plus strand): 5'-TGAAAGAGAGAAAAAAAACCAAAAAATGGAGAAAGACAGTGATGGCTGCCACCTGAAACA[T>A]AAAATGGAGCATGAGCAAATAGAGACACAAGGCCAGGTTAATCACAATGGCCAAAAAAAT-3'
Protein context (NP_001167621.1, residues 281-301): EKDSDGCHLK[His291Gln]KMEHEQIETQ

ClinVar aggregate classification (germline): Uncertain significance. Review status: criteria provided, multiple submitters, no conflicts (2 of 4 stars). 3 submissions from 3 submitters: Uncertain significance (3). Last evaluated 2023-12-29.

Conditions:
Joubert syndrome 8 (JBTS8). Identifiers: Orphanet 475, MedGen C2676771, MONDO:0012855, OMIM 612291.

Allele frequency attached by ClinVar (database versions not stated): gnomAD exomes 0.00001; ExAC 0.00002; gnomAD 0.00002; TOPMed 0.00002; ESP Exome Variant Server 0.00008.
gnomAD v4.1: 3 of 1,613,230 alleles (0.00019%); highest among the groups gnomAD compares: African/African-American, 0.004%; no homozygotes.

Submissions (3):

Fulgent Genetics
Classification: Uncertain significance for Joubert syndrome 8. Last evaluated: 2023-12-29. Review status: criteria provided, single submitter. Criteria: ACMG Guidelines, 2015. Collection method: clinical testing. Allele origin: germline.

Labcorp Genetics (formerly Invitae), Labcorp
Classification: Uncertain significance for Joubert syndrome 8. Last evaluated: 2022-03-04. Review status: criteria provided, single submitter. Criteria: Invitae Variant Classification Sherloc (09022015). Collection method: clinical testing. Allele origin: germline.
Comment: This sequence change replaces histidine, which is basic and polar, with glutamine, which is neutral and polar, at codon 291 of the ARL13B protein (p.His291Gln). This variant is present in population databases (rs143435132, gnomAD 0.01%). This variant has not been reported in the literature in individuals affected with ARL13B-related conditions. ClinVar contains an entry for this variant (Variation ID: 452871). Algorithms developed to predict the effect of missense changes on protein structure and function output the following: SIFT: "Tolerated"; PolyPhen-2: "Benign"; Align-GVGD: "Class C0". The glutamine amino acid residue is found in multiple mammalian species, which suggests that this missense change does not adversely affect protein function. In summary, the available evidence is currently insufficient to determine the role of this variant in disease. Therefore, it has been classified as a Variant of Uncertain Significance.

GeneDx
Classification: Uncertain significance. Last evaluated: 2017-10-19. Review status: criteria provided, single submitter. Criteria: GeneDx Variant Classification (06012015). Collection method: clinical testing. Allele origin: germline. Affected: yes.
Comment: The H291Q variant has not been published as a pathogenic variant, nor has it been reported as a benign variant to our knowledge. This variant is not observed at a significant frequency in large population cohorts (Lek et al., 2016). The H291Q variant is a semi-conservative amino acid substitution, which may impactsecondary protein structure as these residues differ in some properties. However, this substitution occurs at a position that is not conserved, and in silico analysis predicts this variant likely does not alter the protein structure/function. Therefore, based on the currently available information, it is unclear whether this variant is a pathogenic variant or a rare benign variant.